The following is an entry in ClinVar:

NM_001875.5(CPS1):c.1836+2T>G

Gene: CPS1 (carbamoyl-phosphate synthase 1; plus strand). Cytogenetic location: 2q34.
Variant type: single nucleotide variant.
Coding change: c.1836+2T>G on transcript NM_001875.5 (MANE Select); the canonical splice donor site of the intron after coding-DNA position 1836, T replaced by G.
Molecular consequence: splice donor variant.
Genome position (GRCh38, 1-based): chr2:210,602,332, T>G. VCF-style: chr2-210602332-T-G. GRCh37 (hg19) VCF-style: chr2-211467056-T-G.
Other names: c.1836+2T>G (NM_001369257.1, NM_001122633.3); c.1869+2T>G (NM_001369256.1).
Identifiers: ClinVar variation 4814947 (VCV004814947.1).

ClinVar aggregate classification (germline): Likely pathogenic (1 of 4 stars; one submission).

Conditions:
Congenital hyperammonemia, type I. Also called: Carbamoyl phosphate synthetase I deficiency disease; CPS I DEFICIENCY; Carbamoyl phosphate synthetase 1 deficiency; Hyperammonemia due to carbamoyl phosphate synthetase 1 deficiency; CPS 1 deficiency; Carbamyl phosphate synthetase (CPS) deficiency. Identifiers: Orphanet 147, MedGen C4082171, MONDO:0009376, OMIM 237300.

Submission:

Natera, Inc.
Classification: Likely pathogenic for Carbamoyl-phosphate synthase I deficiency. Last evaluated: 2024-11-29. Review status: criteria provided, single submitter. Criteria: Natera Variant Classification Schema (03/2026). Collection method: clinical testing. Allele origin: germline.
Comment: The c.1836+2T>G variant in CPS1 is a canonical splice donor site variant predicted to affect pre-mRNA splicing, which may result in an abnormal transcript and altered protein product. This variant is expected to result in nonsense mediated decay, truncation, or a dysfunctional protein product. This variant is rare in the general population with a frequency below the threshold expected for the associated phenotype(s). Given the available evidence, this variant is classified as Likely Pathogenic.